The following is an entry in ClinVar:

ClinVar aggregate classification (germline): Conflicting classifications of pathogenicity. Review status: criteria provided, conflicting classifications (1 of 4 stars). 2 submissions from 2 submitters: Uncertain significance (1); Likely benign (1). Last evaluated 2024-06-19.

Conditions:
Spastic paraplegia. Identifiers: MedGen C0037772, HP:0001258.
Hereditary spastic paraplegia 10 (SPG10). Also called: SPASTIC PARAPLEGIA 10 WITH OR WITHOUT PERIPHERAL NEUROPATHY; SPASTIC PARAPLEGIA 10 WITH PERIPHERAL NEUROPATHY; SPASTIC PARAPLEGIA 10, AUTOSOMAL DOMINANT. Identifiers: Orphanet 100991, MedGen C1858712, MONDO:0011408, OMIM 604187.

Allele frequency attached by ClinVar (database versions not stated): gnomAD 0.00001; gnomAD exomes 0.00001; TOPMed 0.00001.
gnomAD v4.1: 7 of 1,613,844 alleles (0.00043%); highest among the groups gnomAD compares: Non-Finnish European, 0.00059%; no homozygotes.

Submissions (2):

Labcorp Genetics (formerly Invitae), Labcorp
Classification: Uncertain significance for Spastic paraplegia. Last evaluated: 2024-06-19. Review status: criteria provided, single submitter. Criteria: Invitae Variant Classification Sherloc (09022015). Collection method: clinical testing. Allele origin: germline.
Comment: This sequence change replaces valine, which is neutral and non-polar, with phenylalanine, which is neutral and non-polar, at codon 466 of the KIF5A protein (p.Val466Phe). This variant is not present in population databases (gnomAD no frequency). This variant has not been reported in the literature in individuals affected with KIF5A-related conditions. ClinVar contains an entry for this variant (Variation ID: 2580981). Advanced modeling of protein sequence and biophysical properties (such as structural, functional, and spatial information, amino acid conservation, physicochemical variation, residue mobility, and thermodynamic stability) has been performed at Invitae for this missense variant, however the output from this modeling did not meet the statistical confidence thresholds required to predict the impact of this variant on KIF5A protein function. In summary, the available evidence is currently insufficient to determine the role of this variant in disease. Therefore, it has been classified as a Variant of Uncertain Significance.

Dr. med. U. Finckh, Human Genetics, Eurofins MVZ
Classification: Likely benign for Hereditary spastic paraplegia 10. Last evaluated: 2023-06-22. Review status: criteria provided, single submitter. Criteria: ACMG Guidelines, 2015. Collection method: clinical testing. Allele origin: inherited. Affected: no.

NM_004984.4(KIF5A):c.1396G>T (p.Val466Phe)

Gene: KIF5A (kinesin family member 5A; plus strand). Cytogenetic location: 12q13.3.
Variant type: single nucleotide variant.
Coding change: c.1396G>T on transcript NM_004984.4 (MANE Select); coding-DNA position 1396, G replaced by T.
Protein change: p.Val466Phe; replaces valine 466 with phenylalanine.
Molecular consequence: missense variant.
Genome position (GRCh38, 1-based): chr12:57,572,094, G>T. VCF-style: chr12-57572094-G-T. GRCh37 (hg19) VCF-style: chr12-57965877-G-T.
Other names: c.1129G>T, p.Val377Phe (NM_001354705.2); short protein forms V377F, V466F.
Identifiers: ClinVar variation 2580981 (VCV002580981.3), dbSNP rs1271167685, ClinGen allele CA385506100.